The following is an entry in ClinVar:

ClinVar aggregate classification (germline): Uncertain significance. Review status: criteria provided, multiple submitters, no conflicts (2 of 4 stars). 2 submissions from 2 submitters: Uncertain significance (2). Last evaluated 2025-07-24.

Conditions:
Brugada syndrome 5 (BRGDA5). Identifiers: Orphanet 130, Orphanet 871, MedGen C2748541, MONDO:0013015, OMIM 612838.

Submissions (2):

GeneDx
Classification: Uncertain significance. Last evaluated: 2025-07-24. Review status: criteria provided, single submitter. Criteria: GeneDx Variant Classification Process June 2021. Collection method: clinical testing. Allele origin: germline. Affected: yes.
Comment: Not observed at significant frequency in large population cohorts (gnomAD); In silico analysis suggests that this missense variant does not alter protein structure/function; Has not been previously published as pathogenic or benign to our knowledge

Labcorp Genetics (formerly Invitae), Labcorp
Classification: Uncertain significance for Brugada syndrome 5. Last evaluated: 2023-08-10. Review status: criteria provided, single submitter. Criteria: Invitae Variant Classification Sherloc (09022015). Collection method: clinical testing. Allele origin: germline.
Comment: This sequence change replaces aspartic acid, which is acidic and polar, with glutamic acid, which is acidic and polar, at codon 83 of the SCN1B protein (p.Asp83Glu). This variant is not present in population databases (gnomAD no frequency). This variant has not been reported in the literature in individuals affected with SCN1B-related conditions. ClinVar contains an entry for this variant (Variation ID: 2110024). An algorithm developed to predict the effect of missense changes on protein structure and function (PolyPhen-2) suggests that this variant is likely to be disruptive. In summary, the available evidence is currently insufficient to determine the role of this variant in disease. Therefore, it has been classified as a Variant of Uncertain Significance.

NM_001037.5(SCN1B):c.249T>G (p.Asp83Glu)

Gene: SCN1B (sodium voltage-gated channel beta subunit 1; plus strand). Cytogenetic location: 19q13.11.
Variant type: single nucleotide variant.
Coding change: c.249T>G on transcript NM_001037.5 (MANE Select); coding-DNA position 249, T replaced by G.
Protein change: p.Asp83Glu; replaces aspartic acid 83 with glutamic acid.
Molecular consequence: missense variant.
Genome position (GRCh38, 1-based): chr19:35,033,540, T>G. VCF-style: chr19-35033540-T-G. GRCh37 (hg19) VCF-style: chr19-35524444-T-G.
Other names: c.150T>G, p.Asp50Glu (NM_001321605.2); c.249T>G, p.Asp83Glu (NM_199037.5); c.249T>G (NM_001037.4); short protein forms D50E, D83E.
Identifiers: ClinVar variation 2110024 (VCV002110024.6), dbSNP rs1234271758, ClinGen allele CA405328606.